The following is an entry in ClinVar:

ClinVar aggregate classification (germline): Likely benign. Review status: criteria provided, single submitter (1 of 4 stars). 2 submissions from 2 submitters: Likely benign (1). 1 of the submissions does not count toward it. Last evaluated 2024-02-23.

Conditions:
Nephronophthisis. Also called: Juvenile Nephronophthisis. Identifiers: Orphanet 655, MedGen C0687120, MONDO:0019005, HP:0000090.
NPHP1-related disorder. Also called: NPHP1-related disorders; NPHP1-related condition.

Allele frequency attached by ClinVar (database versions not stated): ExAC 0.00001; gnomAD exomes 0.00001; gnomAD 0.00003; TOPMed 0.00003; ESP Exome Variant Server 0.00008.
gnomAD v4.1: 20 of 1,613,460 alleles (0.0012%); highest among the groups gnomAD compares: Non-Finnish European, 0.0015%; no homozygotes.

Submissions (2):

Labcorp Genetics (formerly Invitae), Labcorp
Classification: Likely benign for Nephronophthisis. Last evaluated: 2024-02-23. Review status: criteria provided, single submitter. Criteria: Invitae Variant Classification Sherloc (09022015). Collection method: clinical testing. Allele origin: germline.

PreventionGenetics, part of Exact Sciences
Classification: Likely benign for NPHP1-related condition. Last evaluated: 2024-08-28. Review status: no assertion criteria provided. Collection method: clinical testing. Allele origin: germline. Not counted in ClinVar's aggregate classification.
Comment: This variant is classified as likely benign based on ACMG/AMP sequence variant interpretation guidelines (Richards et al. 2015 PMID: 25741868, with internal and published modifications).

NM_001128178.3(NPHP1):c.1320T>G (p.Leu440=)

Gene: NPHP1 (nephrocystin 1; minus strand). Cytogenetic location: 2q13.
Variant type: single nucleotide variant.
Coding change: c.1320T>G on transcript NM_001128178.3 (MANE Select); coding-DNA position 1320, T replaced by G.
Protein change: p.Leu440=; no amino-acid change (leucine 440 retained).
Molecular consequence: synonymous variant.
Genome position (GRCh38, 1-based): chr2:110,146,785, A>C on the plus strand (T>G on the coding strand, the complement: NPHP1 is on the minus strand). VCF-style: chr2-110146785-A-C. GRCh37 (hg19) VCF-style: chr2-110904362-A-C.
Other names: c.1488T>G, p.Leu496= (NM_000272.5); c.1131T>G, p.Leu377= (NM_001128179.3); c.1317T>G, p.Leu439= (NM_001374256.1); c.1320T>G, p.Leu440= (NM_001374257.1); c.1485T>G, p.Leu495= (NM_207181.4); c.1488T>G (NM_000272.3).
Identifiers: ClinVar variation 2142160 (VCV002142160.5), dbSNP rs372638545, ClinGen allele CA1827060.